The following is an entry in ClinVar:

NM_020406.4(CD177):c.629C>T (p.Thr210Ile)

Gene: CD177 (CD177 molecule; plus strand). Cytogenetic location: 19q13.31.
Variant type: single nucleotide variant.
Coding change: c.629C>T on transcript NM_020406.4 (MANE Select); coding-DNA position 629, C replaced by T.
Protein change: p.Thr210Ile; replaces threonine 210 with isoleucine.
Molecular consequence: missense variant.
Genome position (GRCh38, 1-based): chr19:43,360,274, C>T. VCF-style: chr19-43360274-C-T. GRCh37 (hg19) VCF-style: chr19-43864426-C-T.
Other names: short protein forms T210I.
Identifiers: ClinVar variation 777054 (VCV000777054.28), dbSNP rs182368720, ClinGen allele CA9485983.

ClinVar aggregate classification (germline): Benign/Likely benign. Review status: criteria provided, multiple submitters, no conflicts (2 of 4 stars). 3 submissions from 3 submitters: Benign (1); Likely benign (2). Last evaluated 2024-01-01.

Allele frequency attached by ClinVar (database versions not stated): 1000 Genomes Project 30x 0.00172; 1000 Genomes Project 0.00200; TOPMed 0.00305; gnomAD 0.00352 and 0.00353; gnomAD exomes 0.00357 and 0.00421; ExAC 0.00366; ESP Exome Variant Server 0.00442.
gnomAD v4.1: 6,740 of 1,613,154 alleles (0.42%); highest among the groups gnomAD compares: Middle Eastern, 0.96%; 22 homozygotes.

Submissions (3):

CeGaT Center for Human Genetics Tuebingen
Classification: Benign. Last evaluated: 2024-01-01. Review status: criteria provided, single submitter. Criteria: CeGaT Center For Human Genetics Tuebingen Variant Classification Criteria Version 2. Collection method: clinical testing. Allele origin: germline. Affected: yes. Observed: 4 variant alleles.
Comment: CD177: BP4, BS1, BS2

Labcorp Genetics (formerly Invitae), Labcorp
Classification: Likely benign. Last evaluated: 2018-05-16. Review status: criteria provided, single submitter. Criteria: Invitae Variant Classification Sherloc (09022015). Collection method: clinical testing. Allele origin: germline.

Breakthrough Genomics
Classification: Likely benign. Review status: criteria provided, single submitter. Criteria: ACMG Guidelines, 2015. Collection method: not provided. Allele origin: germline. Inheritance: Unknown mechanism. Affected: yes.